The following is an entry in ClinVar:

NM_003073.5(SMARCB1):c.944T>A (p.Ile315Asn)

Gene: SMARCB1 (SWI/SNF related BAF chromatin remodeling complex subunit B1; plus strand). Cytogenetic location: 22q11.23.
Variant type: single nucleotide variant.
Coding change: c.944T>A on transcript NM_003073.5 (MANE Select); coding-DNA position 944, T replaced by A.
Protein change: p.Ile315Asn; replaces isoleucine 315 with asparagine.
Molecular consequence: missense variant.
Genome position (GRCh38, 1-based): chr22:23,825,373, T>A. VCF-style: chr22-23825373-T-A. GRCh37 (hg19) VCF-style: chr22-24167560-T-A.
Other names: c.917T>A, p.Ile306Asn (NM_001007468.3); c.971T>A, p.Ile324Asn (NM_001317946.2); c.998T>A, p.Ile333Asn (NM_001362877.2); short protein forms I306N, I315N, I324N, I333N.
Identifiers: ClinVar variation 4864842 (VCV004864842.1).
Genomic context (GRCh38, chr22:23,825,373, plus strand): 5'-TGAAGCTGTGCTCGGAGCTGGGGTTGGGCGGGGAGTTTGTCACCACCATCGCATACAGCA[T>A]CCGGGGACAGCTGAGCTGGCATCAGAAGACCTACGCCTTCAGGTAGGATCATGCATGAGT-3'
Protein context (NP_003064.2, residues 305-325): GEFVTTIAYS[Ile315Asn]RGQLSWHQKT

ClinVar aggregate classification (germline): Uncertain significance (1 of 4 stars; one submission).

Conditions:
Hereditary cancer-predisposing syndrome. Also called: Neoplastic Syndromes, Hereditary; Tumor predisposition; Hereditary Cancer Syndrome; Hereditary neoplastic syndrome. Identifiers: Orphanet 140162, MedGen C0027672, MeSH D009386, MONDO:0015356.

Submission:

Ambry Genetics
Classification: Uncertain significance for Hereditary cancer-predisposing syndrome. Last evaluated: 2026-06-10. Review status: criteria provided, single submitter. Criteria: Ambry Variant Classification Scheme 2023. Collection method: clinical testing. Allele origin: germline.
Comment: The p.I315N variant (also known as c.944T>A), located in coding exon 7 of the SMARCB1 gene, results from a T to A substitution at nucleotide position 944. The isoleucine at codon 315 is replaced by asparagine, an amino acid with dissimilar properties. This amino acid position is conserved. In addition, this alteration is predicted to be deleterious by in silico analysis. Based on the available evidence, the clinical significance of this variant remains unclear.